The following is an entry in ClinVar:

ClinVar aggregate classification (germline): Benign. Review status: criteria provided, multiple submitters, no conflicts (2 of 4 stars). 3 submissions from 3 submitters: Benign (3). Last evaluated 2018-06-21.

Conditions:
Hypoparathyroidism, deafness, renal disease syndrome (HDRS). Also called: HYPOPARATHYROIDISM, SENSORINEURAL DEAFNESS, AND RENAL DYSPLASIA SYNDROME. Identifiers: Orphanet 2237, MedGen C1840333, MONDO:0007797, OMIM 146255.

Allele frequency attached by ClinVar (database versions not stated): gnomAD 0.04054 and 0.04369; 1000 Genomes Project 0.04513; 1000 Genomes Project 30x 0.04997.

Submissions (3):

GeneDx
Classification: Benign. Last evaluated: 2018-06-21. Review status: criteria provided, single submitter. Criteria: GeneDx Variant Classification Process June 2021. Collection method: clinical testing. Allele origin: germline. Affected: yes.

Illumina Laboratory Services, Illumina
Classification: Benign for Hypoparathyroidism, deafness, renal disease syndrome. Last evaluated: 2018-01-13. Review status: criteria provided, single submitter. Criteria: ICSL Variant Classification Criteria 13 December 2019. Collection method: clinical testing. Allele origin: germline.
Comment: This variant was observed in the ICSL laboratory as part of a predisposition screen in an ostensibly healthy population. It had not been previously curated by ICSL or reported in the Human Gene Mutation Database (HGMD: prior to June 1st, 2018), and was therefore a candidate for classification through an automated scoring system. Utilizing variant allele frequency, disease prevalence and penetrance estimates, and inheritance mode, an automated score was calculated to assess if this variant is too frequent to cause the disease. Based on the score and internal cut-off values, a variant classified as benign is not then subjected to further curation. The score for this variant resulted in a classification of benign for this disease.

Breakthrough Genomics
Classification: Benign. Review status: criteria provided, single submitter. Criteria: ACMG Guidelines, 2015. Collection method: not provided. Allele origin: germline. Inheritance: Autosomal dominant inheritance. Affected: yes.

NM_001002295.2(GATA3):c.-60C>T

Gene: GATA3 (GATA binding protein 3; plus strand). Cytogenetic location: 10p14.
Variant type: single nucleotide variant.
Coding change: c.-60C>T on transcript NM_001002295.2 (MANE Select); 60 bases upstream of the start codon, C replaced by T.
Molecular consequence: 5 prime UTR variant.
Genome position (GRCh38, 1-based): chr10:8,055,596, C>T. VCF-style: chr10-8055596-C-T. GRCh37 (hg19) VCF-style: chr10-8097559-C-T.
Other names: c.-60C>T (NM_002051.3).
Identifiers: ClinVar variation 301113 (VCV000301113.8), dbSNP rs11567887, ClinGen allele CA10636155.